The following is an entry in ClinVar:

ClinVar aggregate classification (germline): Likely pathogenic (1 of 4 stars; one submission).

Conditions:
Polycystic kidney disease 3 with or without polycystic liver disease. Also called: Polycystic kidney disease 3; POLYCYSTIC KIDNEY DISEASE, ADULT, TYPE III; Polycystic Kidney and/or Polycystic Liver Disease 3. Identifiers: MedGen C3887964, MONDO:0010916, OMIM 600666.

Submission:

Victorian Clinical Genetics Services, Murdoch Childrens Research Institute
Classification: Likely pathogenic for Polycystic kidney disease 3 with or without polycystic liver disease. Last evaluated: 2025-09-29. Review status: criteria provided, single submitter. Criteria: ACMG Guidelines, 2015. Collection method: clinical testing. Allele origin: germline. Affected: yes.
Comment: This variant is classified as Likely pathogenic. Evidence in support of pathogenic classification: Canonical splice site variant without proven consequence on splicing (no functional evidence available); Variant is absent from gnomAD (v2, v3 and v4); Abnormal splicing is predicted by in silico tool and affected nucleotide is highly conserved. Additional information: This variant is heterozygous; This gene is associated with autosomal dominant disease; Alternative nucleotide change(s) at the same canonical splice site, are present in gnomAD (Highest allele count: v4: 1 heterozygote(s), 0 homozygote(s)); This variant has no previous evidence of pathogenicity; No published evidence of segregation with disease has been identified for this variant; No published functional evidence has been identified for this variant; No comparable canonical splice site variants have previous evidence for pathogenicity; Loss of function is a known mechanism of disease in this gene and is associated with polycystic kidney disease 3 (MIM#600666); Variants in this gene are known to have variable expressivity. Onset is usually in adulthood and renal disease is typically mild (OMIM); however, earlier-onset and more severe disease have been reported (PMIDs: 30792735, 27259053, 40134995); Inheritance information for this variant is not currently available in this individual.

Literature cited by the submitters: PubMed 40134995; PubMed 27259053; PubMed 30792735.

NM_198334.3(GANAB):c.2322+1G>A

Gene: GANAB (glucosidase II alpha subunit; minus strand). Cytogenetic location: 11q12.3.
Variant type: single nucleotide variant.
Coding change: c.2322+1G>A on transcript NM_198334.3 (MANE Select); the canonical splice donor site of the intron after coding-DNA position 2322, G replaced by A.
Molecular consequence: splice donor variant.
Genome position (GRCh38, 1-based): chr11:62,627,047, C>T on the plus strand (G>A on the coding strand, the complement: GANAB is on the minus strand). VCF-style: chr11-62627047-C-T. GRCh37 (hg19) VCF-style: chr11-62394519-C-T.
Other names: c.1980+1G>A (NM_001278193.2); c.2046+1G>A (NM_001278192.2); c.2031+1G>A (NM_001329223.2, NM_001278194.2, NM_001329222.2); c.1599+1G>A (NM_001329225.2, NM_001329224.2); c.2388+1G>A (NM_198335.4).
Identifiers: ClinVar variation 4532065 (VCV004532065.1).
Genomic context (GRCh38, chr11:62,627,047, plus strand): 5'-CGTCCTGTTTGCCTCCTTTGGCTTCCACCATCTTTCCCCACCATGCCCTTCCTTAACTCA[C>T]CTCCCCTTGGCCAGGCAGATAGACCTGGACACCATGGGCTCCAGAGTCTGATACAGGGTG-3'